The following is an entry in ClinVar:

NM_031294.4(DRC3):c.1326+15_1326+16insGGAGCATGTCGGGGAAGGGCTGGATGGAGTTGGACTGGGTGGGGAAGGGGCGGGC

Gene: DRC3 (dynein regulatory complex subunit 3; plus strand). Cytogenetic location: 17p11.2.
Variant type: Microsatellite.
Coding change: c.1326+15_1326+16insGGAGCATGTCGGGGAAGGGCTGGATGGAGTTGGACTGGGTGGGGAAGGGGCGGGC on transcript NM_031294.4 (MANE Select); bases 15 to 16 of the intron after coding-DNA position 1326, GGAGCATGTCGGGGAAGGGCTGGATGGAGTTGGACTGGGTGGGGAAGGGGCGGGC inserted.
Molecular consequence: intron variant.
Genome position: GRCh38: chr17:18,007,154-18,007,162. GRCh37 (hg19): chr17:17,910,468-17,910,476.
Other names: c.1326+15_1326+16insGGAGCATGTCGGGGAAGGGCTGGATGGAGTTGGACTGGGTGGGGAAGGGGCGGGC (NM_001130090.1, NM_001130091.2, NM_001130092.2).
Identifiers: ClinVar variation 4874329 (VCV004874329.2).

ClinVar aggregate classification (germline): Likely benign (1 of 4 stars; one submission).

Submission:

CeGaT Center for Human Genetics Tuebingen
Classification: Likely benign. Last evaluated: 2026-05-01. Review status: criteria provided, single submitter. Criteria: CeGaT Center For Human Genetics Tuebingen Variant Classification Criteria Version 2. Collection method: clinical testing. Allele origin: germline. Affected: yes. Observed: 1 variant allele.
Comment: DRC3: PP3, BS2